The following is an entry in ClinVar:

ClinVar aggregate classification (germline): Conflicting classifications of pathogenicity. Review status: criteria provided, conflicting classifications (1 of 4 stars). 4 submissions from 4 submitters: Uncertain significance (1); Likely benign (3). Last evaluated 2026-01-15.

Conditions:
Inborn genetic diseases. Identifiers: MedGen C0950123, MeSH D030342.

Submissions (4):

Labcorp Genetics (formerly Invitae), Labcorp
Classification: Likely benign. Last evaluated: 2026-01-15. Review status: criteria provided, single submitter. Criteria: Invitae Variant Classification Sherloc (09022015). Collection method: clinical testing. Allele origin: germline.

Ambry Genetics
Classification: Uncertain significance for Inborn genetic diseases. Last evaluated: 2022-07-28. Review status: criteria provided, single submitter. Criteria: Ambry Variant Classification Scheme 2023. Collection method: clinical testing. Allele origin: germline.
Comment: The c.110_115dupCCGGCG (p.A37_G38dup) alteration is located in exon 1 (coding exon 1) of the NR2F1 gene. The alteration consists of an in-frame duplication of 6 nucleotides from position 110 to 115, resulting in the duplication of 2 residues. Based on insufficient or conflicting evidence, the clinical significance of this alteration remains unclear.

Blueprint Genetics
Classification: Likely benign. Last evaluated: 2022-03-16. Review status: criteria provided, single submitter. Criteria: ACMG Guidelines, 2015. Collection method: clinical testing. Allele origin: germline.

GeneDx
Classification: Likely benign. Last evaluated: 2020-10-13. Review status: criteria provided, single submitter. Criteria: GeneDx Variant Classification Process June 2021. Collection method: clinical testing. Allele origin: germline. Affected: yes.

NM_005654.6(NR2F1):c.110_115dup (p.Ala37_Gly38dup)

Genes: NR2F1 (nuclear receptor subfamily 2 group F member 1; plus strand), NR2F1-AS1 (NR2F1 regulatory antisense RNA 1; minus strand). Cytogenetic location: 5q15.
Variant type: Duplication.
Coding change: c.110_115dup on transcript NM_005654.6 (MANE Select); coding-DNA positions 110 to 115, 6 bases duplicated (CCGGCG; older notation c.110_115dupCCGGCG).
Protein change: p.Ala37_Gly38dup.
Molecular consequence: inframe insertion.
Genome position (GRCh38, 1-based): chr5:93,585,133-93,585,138, CCGGCG duplicated; duplicating any 6 consecutive bases within chr5:93,585,128-93,585,138 gives the same sequence; the c. name uses the placement nearest the transcript's 3' end. VCF-style (leftmost placement, unchanged base first): chr5-93585127-G-GCGGCGC. GRCh37 (hg19) VCF-style: chr5-92920833-G-GCGGCGC.
Other names: c.110_115dupCCGGCG (NM_005654.4).
Identifiers: ClinVar variation 506541 (VCV000506541.12), dbSNP rs1159055932, ClinGen allele CA561258796.